The following is an entry in ClinVar:

NM_015272.5(RPGRIP1L):c.632+1G>A

Gene: RPGRIP1L (RPGRIP1 like; minus strand). Cytogenetic location: 16q12.2.
Variant type: single nucleotide variant.
Coding change: c.632+1G>A on transcript NM_015272.5 (MANE Select); the canonical splice donor site of the intron after coding-DNA position 632, G replaced by A.
Molecular consequence: splice donor variant.
Genome position (GRCh38, 1-based): chr16:53,687,862, C>T on the plus strand (G>A on the coding strand, the complement: RPGRIP1L is on the minus strand). VCF-style: chr16-53687862-C-T. GRCh37 (hg19) VCF-style: chr16-53721774-C-T.
Other names: c.632+1G>A (NM_001127897.4, NM_001330538.2, NM_001308334.3 and 1 more transcripts).
Identifiers: ClinVar variation 1067494 (VCV001067494.11), dbSNP rs1376397728, ClinGen allele CA395924361.

ClinVar aggregate classification (germline): Likely pathogenic. Review status: criteria provided, multiple submitters, no conflicts (2 of 4 stars). 5 submissions from 5 submitters: Likely pathogenic (5). Last evaluated 2025-07-31.

Conditions:
COACH syndrome 3. Identifiers: MedGen C5436841, MONDO:0030862, OMIM 619113.
Meckel syndrome, type 5 (MKS5). Identifiers: Orphanet 564, MedGen C1969052, MONDO:0012695, OMIM 611561.
Joubert syndrome 7 (JBTS7). Identifiers: Orphanet 220497, MedGen C1969053, MONDO:0012694, OMIM 611560.
RPGRIP1L-related disorder. Also called: RPGRIP1L-related disorders; RPGRIP1L-related condition. Identifiers: MedGen CN239416.
Meckel-Gruber syndrome. Also called: Dysencephalia splachnocystica; DYSENCEPHALIA SPLANCHNOCYSTICA; GRUBER SYNDROME. Identifiers: Orphanet 564, MedGen C0265215, MONDO:0018921.
Joubert syndrome. Also called: JOUBERT-BOLTSHAUSER SYNDROME; Familial aplasia of the vermis. Identifiers: Orphanet 475, MedGen C5979921, MONDO:0018772.

Allele frequency attached by ClinVar (database versions not stated): gnomAD exomes below 0.00001; TOPMed below 0.00001.
gnomAD v4.1: 3 of 1,574,756 alleles (0.00019%); highest among the groups gnomAD compares: Non-Finnish European, 0.00026%; no homozygotes.

Submissions (5):

Natera, Inc.
Classification: Likely pathogenic for Joubert syndrome. Last evaluated: 2025-07-31. Review status: criteria provided, single submitter. Criteria: Natera Variant Classification Schema (03/2026). Collection method: clinical testing. Allele origin: germline.
Comment: The c.632+1G>A variant in RPGRIP1L is a canonical splice donor site variant predicted to affect pre-mRNA splicing, which may result in an abnormal transcript and altered protein product. This variant is expected to result in nonsense mediated decay, truncation, or a dysfunctional protein product. This variant is rare in the general population with a frequency below the threshold expected for the associated phenotype(s). Given the available evidence, this variant is classified as Likely Pathogenic.

PreventionGenetics, part of Exact Sciences
Classification: Likely pathogenic for RPGRIP1L-related condition. Last evaluated: 2024-12-05. Review status: criteria provided, single submitter. Criteria: ACMG Guidelines, 2015. Collection method: clinical testing. Allele origin: germline.
Comment: The RPGRIP1L c.632+1G>A variant is predicted to disrupt the GT donor site and interfere with normal splicing. This variant has been reported in a cohort study of carrier frequency of retinal disease (Table S3, Hanany et al. 2020. PubMed ID: 31964843). This variant is reported in 0.00088% of alleles in individuals of European (Non-Finnish) descent in gnomAD. Variants that disrupt the consensus splice donor site in RPGRIP1L are expected to be pathogenic. This variant is interpreted as likely pathogenic.

Fulgent Genetics
Classification: Likely pathogenic for Joubert syndrome 7; Meckel syndrome, type 5; COACH syndrome 3. Last evaluated: 2024-04-23. Review status: criteria provided, single submitter. Criteria: ACMG Guidelines, 2015. Collection method: clinical testing. Allele origin: germline.

Blueprint Genetics
Classification: Likely pathogenic for RPGRIP1L-related disorders. Last evaluated: 2023-12-29. Review status: criteria provided, single submitter. Criteria: ACMG Guidelines, 2015. Collection method: clinical testing. Allele origin: germline. Affected: yes. Observed: 1 variant allele.

Labcorp Genetics (formerly Invitae), Labcorp
Classification: Likely pathogenic for Joubert syndrome; Meckel-Gruber syndrome. Last evaluated: 2023-10-15. Review status: criteria provided, single submitter. Criteria: Invitae Variant Classification Sherloc (09022015). Collection method: clinical testing. Allele origin: germline.
Comment: This sequence change affects a donor splice site in intron 5 of the RPGRIP1L gene. It is expected to disrupt RNA splicing. Variants that disrupt the donor or acceptor splice site typically lead to a loss of protein function (PMID: 16199547), and loss-of-function variants in RPGRIP1L are known to be pathogenic (PMID: 17558409). This variant is present in population databases (no rsID available, gnomAD 0.0009%). This variant has not been reported in the literature in individuals affected with RPGRIP1L-related conditions. ClinVar contains an entry for this variant (Variation ID: 1067494). Algorithms developed to predict the effect of sequence changes on RNA splicing suggest that this variant may disrupt the consensus splice site. In summary, the currently available evidence indicates that the variant is pathogenic, but additional data are needed to prove that conclusively. Therefore, this variant has been classified as Likely Pathogenic.

Literature cited by the submitters: PubMed 16199547 (cited by Labcorp Genetics (formerly Invitae), Labcorp); PubMed 17558409 (cited by Labcorp Genetics (formerly Invitae), Labcorp).